The following is an entry in ClinVar:

NM_144997.7(FLCN):c.789G>C (p.Lys263Asn)

Gene: FLCN (folliculin; minus strand). Cytogenetic location: 17p11.2.
Variant type: single nucleotide variant.
Coding change: c.789G>C on transcript NM_144997.7 (MANE Select); coding-DNA position 789, G replaced by C.
Protein change: p.Lys263Asn; replaces lysine 263 with asparagine.
Molecular consequence: missense variant.
Genome position (GRCh38, 1-based): chr17:17,221,619, C>G on the plus strand (G>C on the coding strand, the complement: FLCN is on the minus strand). VCF-style: chr17-17221619-C-G. GRCh37 (hg19) VCF-style: chr17-17124933-C-G.
Other names: c.789G>C (LRG_325t1); c.843G>C, p.Lys281Asn (NM_001353229.2); c.789G>C, p.Lys263Asn (NM_001353230.2, NM_001353231.2, NM_144606.7); short protein forms K263N, K281N.
Identifiers: ClinVar variation 485625 (VCV000485625.5), dbSNP rs1483962771, ClinGen allele CA398533784.
Genomic context (GRCh38, chr17:17,221,619, plus strand): 5'-CAAGGTATCCTCGGTCGGAGCACCTTCCAGGAGCTTCTCGGTCAGCCGGCTGCCACACGC[C>G]TTCAGGAGCCTGGAGAACACAGCACCAGCTATGAGCGTTCTCGCCAAAGGAAAAAGCAAA-3'
Protein context (NP_659434.2, residues 253-273): CLHTSFAWLL[Lys263Asn]ACGSRLTEKL

ClinVar aggregate classification (germline): Uncertain significance (1 of 4 stars; one submission).

Conditions:
Hereditary cancer-predisposing syndrome. Also called: Tumor predisposition; Hereditary Cancer Syndrome; Hereditary neoplastic syndrome; Neoplastic Syndromes, Hereditary. Identifiers: Orphanet 140162, MedGen C0027672, MeSH D009386, MONDO:0015356.

Submission:

Ambry Genetics
Classification: Uncertain significance for Hereditary cancer-predisposing syndrome. Last evaluated: 2017-04-05. Review status: criteria provided, single submitter. Criteria: Ambry Variant Classification Scheme 2023. Collection method: clinical testing. Allele origin: germline.
Comment: The p.K263N variant (also known as c.789G>C), located in coding exon 5 of the FLCN gene, results from a G to C substitution at nucleotide position 789. The lysine at codon 263 is replaced by asparagine, an amino acid with similar properties. This amino acid position is highly conserved in available vertebrate species. In addition, this alteration is predicted to be tolerated by in silico analysis. Since supporting evidence is limited at this time, the clinical significance of this alteration remains unclear.